The following is an entry in ClinVar:

NM_001267550.2(TTN):c.105151T>G (p.Ser35051Ala)

Genes: TTN (titin; minus strand), TTN-AS1 (TTN antisense RNA 1; plus strand), LOC129935185 (ATAC-STARR-seq lymphoblastoid active region 16810; plus strand). Cytogenetic location: 2q31.2.
Variant type: single nucleotide variant.
Coding change: c.105151T>G on transcript NM_001267550.2 (MANE Select); coding-DNA position 105151, T replaced by G.
Protein change: p.Ser35051Ala; replaces serine 35051 with alanine.
Molecular consequence: missense variant.
Genome position (GRCh38, 1-based): chr2:178,531,464, A>C on the plus strand (T>G on the coding strand, the complement: TTN is on the minus strand). VCF-style: chr2-178531464-A-C. GRCh37 (hg19) VCF-style: chr2-179396191-A-C.
Other names: c.100228T>G, p.Ser33410Ala (NM_001256850.1); c.77956T>G, p.Ser25986Ala (NM_003319.4); c.97447T>G, p.Ser32483Ala (NM_133378.4); c.78331T>G, p.Ser26111Ala (NM_133432.3); c.78532T>G, p.Ser26178Ala (NM_133437.4); short protein forms S25986A, S26111A, S26178A, S32483A, S33410A, S35051A.
Identifiers: ClinVar variation 2087158 (VCV002087158.4), dbSNP rs1185938947, ClinGen allele CA349409383.

ClinVar aggregate classification (germline): Uncertain significance (1 of 4 stars; one submission).

Conditions:
Autosomal recessive limb-girdle muscular dystrophy type 2J (LGMDR10). Also called: Limb-girdle muscular dystrophy, type 2J; MUSCULAR DYSTROPHY, LIMB-GIRDLE, AUTOSOMAL RECESSIVE 10. Identifiers: Orphanet 140922, MedGen C1837342, MONDO:0012127, OMIM 608807.
Dilated cardiomyopathy 1G (CMD1G). Identifiers: Orphanet 154, MedGen C1858763, MONDO:0011400, OMIM 604145.

Allele frequency attached by ClinVar (database versions not stated): TOPMed below 0.00001; gnomAD 0.00001.
gnomAD v4.1: 1 of 1,613,786 alleles (0.000062%); highest among the groups gnomAD compares: African/African-American, 0.0013%; no homozygotes.

Submission:

Labcorp Genetics (formerly Invitae), Labcorp
Classification: Uncertain significance for Dilated cardiomyopathy 1G; Autosomal recessive limb-girdle muscular dystrophy type 2J. Last evaluated: 2022-08-23. Review status: criteria provided, single submitter. Criteria: Invitae Variant Classification Sherloc (09022015). Collection method: clinical testing. Allele origin: germline.
Comment: In summary, the available evidence is currently insufficient to determine the role of this variant in disease. Therefore, it has been classified as a Variant of Uncertain Significance. This variant is located in the M band of TTN (PMID: 25589632). Variants in this region may be relevant for neuromuscular disorders, but have not been definitively shown to cause cardiomyopathy (PMID: 23975875). Experimental studies and prediction algorithms are not available or were not evaluated, and the functional significance of this variant is currently unknown. This variant has not been reported in the literature in individuals affected with TTN-related conditions. This variant is not present in population databases (gnomAD no frequency). This sequence change replaces serine, which is neutral and polar, with alanine, which is neutral and non-polar, at codon 35051 of the TTN protein (p.Ser35051Ala).

Literature cited by the submitters: PubMed 25589632; PubMed 23975875.